The following is an entry in ClinVar:

ClinVar aggregate classification (germline): Pathogenic/Likely pathogenic. Review status: criteria provided, multiple submitters, no conflicts (2 of 4 stars). 2 submissions from 2 submitters: Pathogenic (1); Likely pathogenic (1). Last evaluated 2026-07-01.

Conditions:
Glycogen storage disease, type II (IOPD). Also called: CARDIOMEGALIA GLYCOGENICA DIFFUSA; GLYCOGENOSIS, GENERALIZED, CARDIAC FORM; GSD II; Glycogen storage disease type 2; Acid maltase deficiency disease; Aglucosidase alfa. Identifiers: Orphanet 365, MedGen C0017921, MONDO:0009290, OMIM 232300.

Submissions (2):

Genomenon, Inc
Classification: Likely pathogenic for Glycogen storage disease, type II. Last evaluated: 2026-07-01. Review status: criteria provided, single submitter. Criteria: Genomenon Sequence Variant Interpretation Standards - Updated. Collection method: curation. Allele origin: germline. Affected: no.
Comment: GAA p.Tyr407Ter (c.1221C>A) is a nonsense variant that introduces a premature stop codon at amino acid position 407 and is predicted to result in a truncated or absent protein product. This variant has been reported in the published literature (PMID:32518148;31342611;33560568;38250073;31086307). It is absent or not present at a significant frequency in gnomAD. In conclusion, we classify GAA p.Tyr407Ter (c.1221C>A) as a likely pathogenic variant.

GeneDx
Classification: Pathogenic. Last evaluated: 2024-03-27. Review status: criteria provided, single submitter. Criteria: GeneDx Variant Classification Process June 2021. Collection method: clinical testing. Allele origin: germline. Affected: yes.
Comment: Nonsense variant predicted to result in protein truncation or nonsense mediated decay in a gene for which loss of function is a known mechanism of disease; Not observed at significant frequency in large population cohorts (gnomAD); This variant is associated with the following publications: (PMID: 31086307)

Literature cited by the submitters: PubMed 32518148 (cited by Genomenon, Inc); PubMed 31342611 (cited by Genomenon, Inc); PubMed 33560568 (cited by Genomenon, Inc); PubMed 38250073 (cited by Genomenon, Inc); PubMed 31086307 (cited by Genomenon, Inc).

NM_000152.5(GAA):c.1221C>A (p.Tyr407Ter)

Gene: GAA (alpha glucosidase; plus strand). Cytogenetic location: 17q25.3.
Variant type: single nucleotide variant.
Coding change: c.1221C>A on transcript NM_000152.5 (MANE Select); coding-DNA position 1221, C replaced by A.
Protein change: p.Tyr407Ter; replaces tyrosine 407 with a stop codon.
Molecular consequence: nonsense.
Genome position (GRCh38, 1-based): chr17:80,108,723, C>A. VCF-style: chr17-80108723-C-A. GRCh37 (hg19) VCF-style: chr17-78082522-C-A.
Other names: c.1221C>A, p.Tyr407Ter (NM_001079803.3, NM_001079804.3, NM_001406741.1 and 1 more transcripts); short protein forms Y407*.
Identifiers: ClinVar variation 3361330 (VCV003361330.2).